The following is an entry in ClinVar:

NM_024577.4(SH3TC2):c.3190G>A (p.Glu1064Lys)

Gene: SH3TC2 (SH3 domain and tetratricopeptide repeats 2; minus strand). Cytogenetic location: 5q32.
Variant type: single nucleotide variant.
Coding change: c.3190G>A on transcript NM_024577.4 (MANE Select); coding-DNA position 3190, G replaced by A.
Protein change: p.Glu1064Lys; replaces glutamic acid 1064 with lysine.
Molecular consequence: missense variant.
Genome position (GRCh38, 1-based): chr5:149,012,598, C>T on the plus strand (G>A on the coding strand, the complement: SH3TC2 is on the minus strand). VCF-style: chr5-149012598-C-T. GRCh37 (hg19) VCF-style: chr5-148392161-C-T.
Other names: short protein forms E1064K.
Identifiers: ClinVar variation 960692 (VCV000960692.10), dbSNP rs756108498, ClinGen allele CA3498825.
Genomic context (GRCh38, chr5:149,012,598, plus strand): 5'-AATGATCCAAGTCAACAACTCCCAGAGAGCTCTGCAGGAGGCCTACCTGCAGGCACAGCT[C>T]CACCAGCTCGTCTTCCTGCATGAGGTAGTGGAGTCGCCCCGCCCCAAGCCAGGCCTCAGC-3'
Protein context (NP_078853.2, residues 1054-1074): HYLMQEDELV[Glu1064Lys]LCLQAAIQTA

ClinVar aggregate classification (germline): Uncertain significance. Review status: criteria provided, multiple submitters, no conflicts (2 of 4 stars). 3 submissions from 3 submitters: Uncertain significance (3). Last evaluated 2026-03-03.

Conditions:
Charcot-Marie-Tooth disease type 4. Also called: Charcot-Marie-Tooth disease, type IV; Charcot-Marie-Tooth, Type 4. Identifiers: Orphanet 64749, MedGen C4082197, MONDO:0018995.

Allele frequency attached by ClinVar (database versions not stated): ExAC 0.00001; gnomAD exomes 0.00001; gnomAD 0.00002; TOPMed 0.00003.
gnomAD v4.1: 3 of 1,614,032 alleles (0.00019%); highest among the groups gnomAD compares: Non-Finnish European, 0.00025%; no homozygotes.

Submissions (3):

GeneDx
Classification: Uncertain significance. Last evaluated: 2026-03-03. Review status: criteria provided, single submitter. Criteria: GeneDx Variant Classification Process June 2021. Collection method: clinical testing. Allele origin: germline.
Comment: Not observed at significant frequency in large population cohorts (gnomAD); In silico analysis supports that this missense variant has a deleterious effect on protein structure/function; Has not been previously published as pathogenic or benign to our knowledge

Labcorp Genetics (formerly Invitae), Labcorp
Classification: Uncertain significance for Charcot-Marie-Tooth disease type 4. Last evaluated: 2022-05-25. Review status: criteria provided, single submitter. Criteria: Invitae Variant Classification Sherloc (09022015). Collection method: clinical testing. Allele origin: germline.
Comment: This variant has not been reported in the literature in individuals affected with SH3TC2-related conditions. In summary, the available evidence is currently insufficient to determine the role of this variant in disease. Therefore, it has been classified as a Variant of Uncertain Significance. Advanced modeling of protein sequence and biophysical properties (such as structural, functional, and spatial information, amino acid conservation, physicochemical variation, residue mobility, and thermodynamic stability) performed at Invitae indicates that this missense variant is not expected to disrupt SH3TC2 protein function. ClinVar contains an entry for this variant (Variation ID: 960692). This variant is present in population databases (rs756108498, gnomAD 0.002%). This sequence change replaces glutamic acid, which is acidic and polar, with lysine, which is basic and polar, at codon 1064 of the SH3TC2 protein (p.Glu1064Lys).

Athena Diagnostics
Classification: Uncertain significance. Last evaluated: 2022-01-25. Review status: criteria provided, single submitter. Criteria: Athena Diagnostics Criteria. Collection method: clinical testing. Allele origin: unknown.